The following is an entry in ClinVar:

ClinVar aggregate classification (germline): Pathogenic (1 of 4 stars; one submission).

Conditions:
Hereditary factor VIII deficiency disease (HEMA). Also called: Hemophilia A, congenital; HEM A; Factor 8 deficiency, congenital; HEMOPHILIA, CLASSIC; AUTOSOMAL HEMOPHILIA A; Hemophilia A. Identifiers: Orphanet 98878, MedGen C0019069, MONDO:0010602, OMIM 306700.

Submission:

3billion
Classification: Pathogenic for Hereditary factor VIII deficiency disease. Last evaluated: 2023-02-23. Review status: criteria provided, single submitter. Criteria: ACMG Guidelines, 2015. Collection method: clinical testing. Allele origin: unknown. Affected: yes.
Comment: The variant is not observed in the gnomAD v2.1.1 dataset. This variant was predicted to result in a loss or disruption of normal protein function through nonsense-mediated decay (NMD) or protein truncation. Multiple pathogenic variants are reported downstream of the variant. The variant has been reported to be associated with F8 related disorder (PMID: 21910785). Therefore, this variant is classified as Pathogenic according to the recommendation of ACMG/AMP guideline.

Literature cited by the submitters: PubMed 21910785.

NM_000132.4(F8):c.5290C>T (p.Gln1764Ter)

Gene: F8 (coagulation factor VIII; minus strand). Cytogenetic location: Xq28.
Variant type: single nucleotide variant.
Coding change: c.5290C>T on transcript NM_000132.4 (MANE Select); coding-DNA position 5290, C replaced by T.
Protein change: p.Gln1764Ter; replaces glutamine 1764 with a stop codon.
Molecular consequence: nonsense.
Genome position (GRCh38, 1-based): chrX:154,906,503, G>A on the plus strand (C>T on the coding strand, the complement: F8 is on the minus strand). VCF-style: chrX-154906503-G-A. GRCh37 (hg19) VCF-style: chrX-154134778-G-A.
Other names: short protein forms Q1764*.
Identifiers: ClinVar variation 2444251 (VCV002444251.1), dbSNP rs2523887288, ClinGen allele CA414910955.
Genomic context (GRCh38, chrX:154,906,503, plus strand): 5'-CTCTTATATATGGCCCCAGGAGTCCCAAATGTTCATTTAGTTCTCCACGGTATAAGGGCT[G>A]AGTAAAGGAGCCATCAGTAAATTCCTGGAAAACAACTTTCTTGAACTGAGGGACACTGCC-3'